The following is an entry in ClinVar:

ClinVar aggregate classification (germline): Conflicting classifications of pathogenicity. Review status: criteria provided, conflicting classifications (1 of 4 stars). 5 submissions from 5 submitters: Uncertain significance (3); Likely benign (2). Last evaluated 2025-01-30.

Conditions:
Inborn genetic diseases. Identifiers: MedGen C0950123, MeSH D030342.

Allele frequency attached by ClinVar (database versions not stated): gnomAD exomes 0.00006; gnomAD 0.00009.
gnomAD v4.1: 126 of 1,411,798 alleles (0.0089%); highest among the groups gnomAD compares: Middle Eastern, 0.025%; no homozygotes.

Submissions (5):

Labcorp Genetics (formerly Invitae), Labcorp
Classification: Likely benign. Last evaluated: 2025-01-30. Review status: criteria provided, single submitter. Criteria: Invitae Variant Classification Sherloc (09022015). Collection method: clinical testing. Allele origin: germline.

Ambry Genetics
Classification: Likely benign for Inborn genetic diseases. Last evaluated: 2024-01-02. Review status: criteria provided, single submitter. Criteria: Ambry Variant Classification Scheme 2023. Collection method: clinical testing. Allele origin: germline.

Women's Health and Genetics/Laboratory Corporation of America, LabCorp
Classification: Uncertain significance. Last evaluated: 2023-01-28. Review status: criteria provided, single submitter. Criteria: LabCorp Variant Classification Summary - May 2015. Collection method: clinical testing. Allele origin: germline.
Comment: Variant summary: KMT2B c.6760C>A (p.Pro2254Thr) results in a non-conservative amino acid change in the encoded protein sequence. Four of five in-silico tools predict a benign effect of the variant on protein function. The variant allele was found at a frequency of 7.5e-05 in 174364 control chromosomes (gnomAD), predominantly at a frequency of 0.00019 within the Non-Finnish European subpopulation in the gnomAD database. To our knowledge, no occurrence of c.6760C>A in individuals affected with Dystonia 28, Childhood-Onset and no experimental evidence demonstrating its impact on protein function have been reported. One ClinVar submitter has assessed the variant since 2014: the variant was classified as uncertain significance. Based on the evidence outlined above, the variant was classified as uncertain significance.

GeneDx
Classification: Uncertain significance. Last evaluated: 2019-05-28. Review status: criteria provided, single submitter. Criteria: GeneDx Variant Classification Process June 2021. Collection method: clinical testing. Allele origin: germline. Affected: yes.
Comment: In silico analysis, which includes protein predictors and evolutionary conservation, supports that this variant does not alter protein structure/function; Has not been previously published as pathogenic or benign to our knowledge

Breakthrough Genomics
Classification: Uncertain significance. Review status: criteria provided, single submitter. Criteria: ACMG Guidelines, 2015. Collection method: not provided. Allele origin: germline. Inheritance: Autosomal dominant inheritance. Affected: yes.

NM_014727.3(KMT2B):c.6760C>A (p.Pro2254Thr)

Gene: KMT2B (lysine methyltransferase 2B; plus strand). Cytogenetic location: 19q13.12.
Variant type: single nucleotide variant.
Coding change: c.6760C>A on transcript NM_014727.3 (MANE Select); coding-DNA position 6760, C replaced by A.
Protein change: p.Pro2254Thr; replaces proline 2254 with threonine.
Molecular consequence: missense variant.
Genome position (GRCh38, 1-based): chr19:35,733,309, C>A. VCF-style: chr19-35733309-C-A. GRCh37 (hg19) VCF-style: chr19-36224210-C-A.
Other names: c.6760C>A (NM_014727.1); short protein forms P2254T.
Identifiers: ClinVar variation 1305870 (VCV001305870.10), dbSNP rs763536557, ClinGen allele CA9385753.